The following is an entry in ClinVar:

NM_000321.3(RB1):c.1138A>G (p.Asn380Asp)

Gene: RB1 (RB transcriptional corepressor 1; plus strand). Cytogenetic location: 13q14.2.
Variant type: single nucleotide variant.
Coding change: c.1138A>G on transcript NM_000321.3 (MANE Select); coding-DNA position 1138, A replaced by G.
Protein change: p.Asn380Asp; replaces asparagine 380 with aspartic acid.
Molecular consequence: missense variant.
Genome position (GRCh38, 1-based): chr13:48,373,415, A>G. VCF-style: chr13-48373415-A-G. GRCh37 (hg19) VCF-style: chr13-48947551-A-G.
Other names: c.1138A>G, p.Asn380Asp (NM_001407165.1, NM_001407166.1); short protein forms N380D.
Identifiers: ClinVar variation 1730289 (VCV001730289.3), dbSNP rs2542194828, ClinGen allele CA388161448.
Genomic context (GRCh38, chr13:48,373,415, plus strand): 5'-TTTTTCTCCCTTCATTGCTTAACACATTTTCCTATTTTTATCCCCTCTAGGACTGTTATG[A>G]ACACTATCCAACAATTAATGATGATTTTAAATTCAGCAAGTGATCAACCTTCAGAAAATC-3'
Protein context (NP_000312.2, residues 370-390): PPHTPVRTVM[Asn380Asp]TIQQLMMILN

ClinVar aggregate classification (germline): Uncertain significance (1 of 4 stars; one submission).

Conditions:
Hereditary cancer-predisposing syndrome. Also called: Neoplastic Syndromes, Hereditary; Tumor predisposition; Hereditary Cancer Syndrome; Hereditary neoplastic syndrome. Identifiers: Orphanet 140162, MedGen C0027672, MeSH D009386, MONDO:0015356.

Submission:

Ambry Genetics
Classification: Uncertain significance for Hereditary cancer-predisposing syndrome. Last evaluated: 2025-05-20. Review status: criteria provided, single submitter. Criteria: Ambry Variant Classification Scheme 2023. Collection method: clinical testing. Allele origin: germline.
Comment: The p.N380D variant (also known as c.1138A>G), located in coding exon 12 of the RB1 gene, results from an A to G substitution at nucleotide position 1138. The asparagine at codon 380 is replaced by aspartic acid, an amino acid with highly similar properties. This amino acid position is highly conserved in available vertebrate species. In addition, this alteration is predicted to be tolerated by in silico analysis. Based on the available evidence, the clinical significance of this variant remains unclear.